The following is an entry in ClinVar:

NM_002439.5(MSH3):c.3275A>C (p.Glu1092Ala)

Gene: MSH3 (mutS homolog 3; plus strand). Cytogenetic location: 5q14.1.
Variant type: single nucleotide variant.
Coding change: c.3275A>C on transcript NM_002439.5 (MANE Select); coding-DNA position 3275, A replaced by C.
Protein change: p.Glu1092Ala; replaces glutamic acid 1092 with alanine.
Molecular consequence: missense variant.
Genome position (GRCh38, 1-based): chr5:80,873,260, A>C. VCF-style: chr5-80873260-A-C. GRCh37 (hg19) VCF-style: chr5-80169079-A-C.
Other names: short protein forms E1092A.
Identifiers: ClinVar variation 967131 (VCV000967131.9), dbSNP rs960855722, ClinGen allele CA360347096.

ClinVar aggregate classification (germline): Uncertain significance (1 of 4 stars; one submission).

Submission:

Labcorp Genetics (formerly Invitae), Labcorp
Classification: Uncertain significance. Last evaluated: 2019-10-03. Review status: criteria provided, single submitter. Criteria: Invitae Variant Classification Sherloc (09022015). Collection method: clinical testing. Allele origin: germline.
Comment: This variant is not present in population databases (ExAC no frequency). This variant has not been reported in the literature in individuals with MSH3-related conditions. Algorithms developed to predict the effect of missense changes on protein structure and function are either unavailable or do not agree on the potential impact of this missense change (SIFT: "Tolerated"; PolyPhen-2: "Possibly Damaging"; Align-GVGD: "Class C0"). In summary, the available evidence is currently insufficient to determine the role of this variant in disease. Therefore, it has been classified as a Variant of Uncertain Significance. This sequence change replaces glutamic acid with alanine at codon 1092 of the MSH3 protein (p.Glu1092Ala). The glutamic acid residue is moderately conserved and there is a moderate physicochemical difference between glutamic acid and alanine.